The following is an entry in ClinVar:

NM_000256.3(MYBPC3):c.2082A>G (p.Pro694=)

Gene: MYBPC3 (myosin binding protein C3; minus strand). Cytogenetic location: 11p11.2.
Variant type: single nucleotide variant.
Coding change: c.2082A>G on transcript NM_000256.3 (MANE Select); coding-DNA position 2082, A replaced by G.
Protein change: p.Pro694=; no amino-acid change (proline 694 retained).
Molecular consequence: synonymous variant.
Genome position (GRCh38, 1-based): chr11:47,339,390, T>C on the plus strand (A>G on the coding strand, the complement: MYBPC3 is on the minus strand). VCF-style: chr11-47339390-T-C. GRCh37 (hg19) VCF-style: chr11-47360941-T-C.
Identifiers: ClinVar variation 1171401 (VCV001171401.5), dbSNP rs756589409, ClinGen allele CA221690775.

ClinVar aggregate classification (germline): Likely benign. Review status: criteria provided, multiple submitters, no conflicts (2 of 4 stars). 3 submissions from 3 submitters: Likely benign (3). Last evaluated 2025-10-13.

Conditions:
Cardiomyopathy (CMYO). Also called: Cardiomyopathies. Identifiers: Orphanet 167848, MedGen C0878544, MONDO:0004994, HP:0001638. Inheritance: Various modes of inheritance.
Hypertrophic cardiomyopathy. Also called: HYPERTROPHIC MYOCARDIOPATHY. Identifiers: Orphanet 217569, MedGen C0007194, MeSH D002312, MONDO:0005045, HP:0001639.

Allele frequency attached by ClinVar (database versions not stated): gnomAD 0.00001; gnomAD exomes 0.00001; TOPMed below 0.00001.
gnomAD v4.1: 12 of 1,613,912 alleles (0.00074%); highest among the groups gnomAD compares: Non-Finnish European, 0.001%; no homozygotes.

Submissions (3):

Labcorp Genetics (formerly Invitae), Labcorp
Classification: Likely benign for Hypertrophic cardiomyopathy. Last evaluated: 2025-10-13. Review status: criteria provided, single submitter. Criteria: Invitae Variant Classification Sherloc (09022015). Collection method: clinical testing. Allele origin: germline.

All of Us Research Program, National Institutes of Health
Classification: Likely benign for Hypertrophic cardiomyopathy. Last evaluated: 2023-12-13. Review status: criteria provided, single submitter. Criteria: ACMG Guidelines, 2015. Collection method: clinical testing. Allele origin: germline. Inheritance: Autosomal dominant inheritance. Observed: 4 variant alleles, 4 heterozygotes.
Comment: This study involves interpretation of variants in research participants for the purpose of population health screening. Participant phenotype was not available at the time of variant classification. Additional details can be found in publication PMID: 35346344, PMCID: PMC8962531

Color Diagnostics, LLC DBA Color Health
Classification: Likely benign for Cardiomyopathy. Last evaluated: 2020-05-12. Review status: criteria provided, single submitter. Criteria: ACMG Guidelines, 2015. Collection method: clinical testing. Allele origin: germline.